The following is an entry in ClinVar:

NM_020937.4(FANCM):c.2531A>G (p.His844Arg)

Gene: FANCM (FA complementation group M; plus strand). Cytogenetic location: 14q21.2.
Variant type: single nucleotide variant.
Coding change: c.2531A>G on transcript NM_020937.4 (MANE Select); coding-DNA position 2531, A replaced by G.
Protein change: p.His844Arg; replaces histidine 844 with arginine.
Molecular consequence: missense variant.
Genome position (GRCh38, 1-based): chr14:45,175,285, A>G. VCF-style: chr14-45175285-A-G. GRCh37 (hg19) VCF-style: chr14-45644488-A-G.
Other names: c.2453A>G, p.His818Arg (NM_001308133.2); short protein forms H818R, H844R.
Identifiers: ClinVar variation 2644210 (VCV002644210.24), dbSNP rs113630826, ClinGen allele CA259627742.

ClinVar aggregate classification (germline): Uncertain significance (1 of 4 stars; one submission).

Submission:

CeGaT Center for Human Genetics Tuebingen
Classification: Uncertain significance. Last evaluated: 2022-07-01. Review status: criteria provided, single submitter. Criteria: CeGaT Center For Human Genetics Tuebingen Variant Classification Criteria Version 2. Collection method: clinical testing. Allele origin: germline. Affected: yes. Observed: 1 variant allele.
Comment: FANCM: PM2, BP1, BP4